The following is an entry in ClinVar:

NM_006031.6(PCNT):c.2002G>T (p.Ala668Ser)

Gene: PCNT (pericentrin; plus strand). Cytogenetic location: 21q22.3.
Variant type: single nucleotide variant.
Coding change: c.2002G>T on transcript NM_006031.6 (MANE Select); coding-DNA position 2002, G replaced by T.
Protein change: p.Ala668Ser; replaces alanine 668 with serine.
Molecular consequence: missense variant.
Genome position (GRCh38, 1-based): chr21:46,357,039, G>T. VCF-style: chr21-46357039-G-T. GRCh37 (hg19) VCF-style: chr21-47776954-G-T.
Other names: c.1648G>T, p.Ala550Ser (NM_001315529.2); short protein forms A550S, A668S.
Identifiers: ClinVar variation 3358059 (VCV003358059.2).

ClinVar aggregate classification (germline): Uncertain significance (1 of 4 stars; one submission).

Conditions:
PCNT-related disorder. Also called: PCNT-related condition.

gnomAD v4.1: 2 of 1,614,248 alleles (0.00012%); highest among the groups gnomAD compares: Non-Finnish European, 0.00017%; no homozygotes.

Submission:

PreventionGenetics, part of Exact Sciences
Classification: Uncertain significance for PCNT-related condition. Last evaluated: 2025-12-22. Review status: criteria provided, single submitter. Criteria: ACMG Guidelines, 2015. Collection method: clinical testing. Allele origin: germline.
Comment: The PCNT c.2002G>T variant is predicted to result in the amino acid substitution p.Ala668Ser. To our knowledge, this variant has not been reported in the literature or in a large population database (gnomAD), indicating this variant is rare. At this time, the clinical significance of this variant is uncertain due to the absence of conclusive functional and genetic evidence.